The following is an entry in ClinVar:

NM_005263.5(GFI1):c.925-40CT[23]

Gene: GFI1 (growth factor independent 1 transcriptional repressor; minus strand). Cytogenetic location: 1p22.1.
Variant type: Microsatellite.
Coding change: c.925-40CT[23] on transcript NM_005263.5 (MANE Select); 23 copies in a row of the 2-base unit CT starting at c.925-40; the reference has 18 copies in a row; five copies, 10 bases duplicated.
Molecular consequence: intron variant.
Genome position (GRCh38, 1-based): chr1:92,478,758-92,478,767, AGAGAGAGAG duplicated on the plus strand (CTCTCTCTCT on the coding strand, the reverse complement: GFI1 is on the minus strand); duplicating any 10 consecutive bases within chr1:92,478,758-92,478,794 gives the same sequence; the position shown is the placement nearest the transcript's 3' end. VCF-style (leftmost placement, unchanged base first): chr1-92478757-C-CAGAGAGAGAG. GRCh37 (hg19) VCF-style: chr1-92944314-C-CAGAGAGAGAG.
Other names: p.?; c.925-14_925-5dupCTCTCTCTCT (NM_005263.3); c.925-14_925-5dup (NM_005263.5); c.925-40CT[23] (NM_001127216.3, NM_001127215.3); c.925-14_925-5dup10 (NM_005263.5).
Identifiers: ClinVar variation 298183 (VCV000298183.21), dbSNP rs35896485, ClinGen allele CA10610423.
Genomic context (GRCh38, chr1:92,478,757, plus strand): 5'-CAGTGTGGATGACCTCTTGAAGCTCTTCCCACAGATCTTACAGTCAAAGCTCCGTTCCTG[C>CAGAGAGAGAG]AGAGAGAGAGAGAGAGAGAGAGAGAGAGAGAGAGAGATGCAGAACTCCTACTGCAGTCAA-3'

ClinVar aggregate classification (germline): Benign/Likely benign. Review status: criteria provided, multiple submitters, no conflicts (2 of 4 stars). 7 submissions from 7 submitters: Benign (4); Likely benign (2). 1 of the submissions does not count toward it. Last evaluated 2026-01-22.

Conditions:
GFI1-related disorder. Also called: GFI1-related condition.
Neutropenia, severe congenital, 2, autosomal dominant. Identifiers: Orphanet 486, MedGen C2751288, MONDO:0013139, OMIM 613107.

Submissions (7):

Women's Health and Genetics/Laboratory Corporation of America, LabCorp
Classification: Benign. Last evaluated: 2026-01-22. Review status: criteria provided, single submitter. Criteria: LabCorp Variant Classification Summary - May 2015. Collection method: clinical testing. Allele origin: germline.
Comment: Variant summary: GFI1 c.925-14_925-5dup10 is located at a position not widely known to affect splicing. Consensus agreement among computation tools predicts no significant impact on normal splicing. However, these predictions have yet to be confirmed by functional studies. The variant allele was found at a frequency of 0.041 in 1490554 control chromosomes in the gnomAD database, including 531 homozygotes. The observed variant frequency exceeds the estimated maximal expected allele frequency for disease-causing variants in GFI1. To our knowledge, no occurrence of c.925-14_925-5dup10 in individuals affected with GFI1-related conditions and no experimental evidence demonstrating its impact on protein function have been reported. ClinVar contains an entry for this variant (Variation ID: 298183). Based on the evidence outlined above, the variant was classified as benign.

Labcorp Genetics (formerly Invitae), Labcorp
Classification: Benign for Neutropenia, severe congenital, 2, autosomal dominant. Last evaluated: 2026-01-19. Review status: criteria provided, single submitter. Criteria: Invitae Variant Classification Sherloc (09022015). Collection method: clinical testing. Allele origin: germline.

Laboratory of Genetics, Children's Clinical University Hospital Latvia
Classification: Likely benign. Last evaluated: 2025-02-16. Review status: criteria provided, single submitter. Criteria: ACMG Guidelines, 2015. Collection method: clinical testing. Allele origin: germline. Affected: yes.

Blueprint Genetics
Classification: Likely benign. Last evaluated: 2024-11-26. Review status: criteria provided, single submitter. Criteria: ACMG Guidelines, 2015. Collection method: clinical testing. Allele origin: germline.

Mayo Clinic Laboratories, Mayo Clinic
Classification: Benign. Last evaluated: 2022-09-06. Review status: criteria provided, single submitter. Criteria: ACMG Guidelines, 2015. Collection method: clinical testing. Allele origin: germline. Observed: 52 variant alleles.

GeneDx
Classification: Benign. Last evaluated: 2021-05-04. Review status: criteria provided, single submitter. Criteria: GeneDx Variant Classification Process June 2021. Collection method: clinical testing. Allele origin: germline. Affected: yes.

PreventionGenetics, part of Exact Sciences
Classification: Benign for GFI1-related condition. Last evaluated: 2019-03-12. Review status: no assertion criteria provided. Collection method: clinical testing. Allele origin: germline. Not counted in ClinVar's aggregate classification.
Comment: This variant is classified as benign based on ACMG/AMP sequence variant interpretation guidelines (Richards et al. 2015 PMID: 25741868, with internal and published modifications).